The following is an entry in ClinVar:

NM_001042492.3(NF1):c.1749G>T (p.Lys583Asn)

Gene: NF1 (neurofibromin 1; plus strand). Cytogenetic location: 17q11.2.
Variant type: single nucleotide variant.
Coding change: c.1749G>T on transcript NM_001042492.3 (MANE Select); coding-DNA position 1749, G replaced by T.
Protein change: p.Lys583Asn; replaces lysine 583 with asparagine.
Molecular consequence: missense variant.
Genome position (GRCh38, 1-based): chr17:31,223,471, G>T. VCF-style: chr17-31223471-G-T. GRCh37 (hg19) VCF-style: chr17-29550489-G-T.
Other names: c.1749G>T, p.Lys583Asn (NM_000267.4); short protein forms K583N.
Identifiers: ClinVar variation 4615814 (VCV004615814.1).

ClinVar aggregate classification (germline): Uncertain significance (1 of 4 stars; one submission).

Conditions:
Cardiovascular phenotype. Identifiers: MedGen CN230736.
Hereditary cancer-predisposing syndrome. Also called: Neoplastic Syndromes, Hereditary; Tumor predisposition; Hereditary Cancer Syndrome; Hereditary neoplastic syndrome. Identifiers: Orphanet 140162, MedGen C0027672, MeSH D009386, MONDO:0015356.

Submission:

Ambry Genetics
Classification: Uncertain significance for Cardiovascular phenotype; Hereditary cancer-predisposing syndrome. Last evaluated: 2025-12-04. Review status: criteria provided, single submitter. Criteria: Ambry Variant Classification Scheme 2023. Collection method: clinical testing. Allele origin: germline.
Comment: The p.K583N variant (also known as c.1749G>T), located in coding exon 16 of the NF1 gene, results from a G to T substitution at nucleotide position 1749. The lysine at codon 583 is replaced by asparagine, an amino acid with similar properties. This amino acid position is well conserved in available vertebrate species. In addition, this alteration is predicted to be tolerated by in silico analysis. Based on the available evidence, the clinical significance of this variant remains unclear.